The following is an entry in ClinVar:

NM_005051.3(QARS1):c.1049T>G (p.Ile350Ser)

Gene: QARS1 (glutaminyl-tRNA synthetase 1; minus strand). Cytogenetic location: 3p21.31.
Variant type: single nucleotide variant.
Coding change: c.1049T>G on transcript NM_005051.3 (MANE Select); coding-DNA position 1049, T replaced by G.
Protein change: p.Ile350Ser; replaces isoleucine 350 with serine.
Molecular consequence: missense variant. On other transcripts: non-coding transcript variant (1).
Genome position (GRCh38, 1-based): chr3:49,100,386, A>C on the plus strand (T>G on the coding strand, the complement: QARS1 is on the minus strand). VCF-style: chr3-49100386-A-C. GRCh37 (hg19) VCF-style: chr3-49137819-A-C.
Other names: c.1016T>G, p.Ile339Ser (NM_001272073.2); short protein forms I350S, I339S.
Identifiers: ClinVar variation 1995563 (VCV001995563.3), dbSNP rs893113155, ClinGen allele CA74474883.
Genomic context (GRCh38, chr3:49,100,386, plus strand): 5'-CATGGCTGTGACCTAGTCAGTCTGCCTGGCTCTACGTCATGGCCCTGGCCTTACCTGCGG[A>C]TGAGCTCCACAGCCCACGCATATAGCTGGTCAAAATAGTCAGACGCATATGTGACTTTGT-3'
Protein context (NP_005042.1, residues 340-360): DQLYAWAVEL[Ile350Ser]RRGLAYVCHQ

ClinVar aggregate classification (germline): Uncertain significance (1 of 4 stars; one submission).

Conditions:
Diffuse cerebral and cerebellar atrophy - intractable seizures - progressive microcephaly syndrome. Also called: Microcephaly, progressive, with seizures and cerebral and cerebellar atrophy. Identifiers: Orphanet 404437, MedGen C4014239, MONDO:0014335, OMIM 615760.

Submission:

Labcorp Genetics (formerly Invitae), Labcorp
Classification: Uncertain significance for Diffuse cerebral and cerebellar atrophy - intractable seizures - progressive microcephaly syndrome. Last evaluated: 2025-02-24. Review status: criteria provided, single submitter. Criteria: Invitae Variant Classification Sherloc (09022015). Collection method: clinical testing. Allele origin: germline.
Comment: This sequence change replaces isoleucine, which is neutral and non-polar, with serine, which is neutral and polar, at codon 350 of the QARS protein (p.Ile350Ser). This variant is not present in population databases (gnomAD no frequency). This variant has not been reported in the literature in individuals affected with QARS-related conditions. ClinVar contains an entry for this variant (Variation ID: 1995563). Invitae Evidence Modeling of protein sequence and biophysical properties (such as structural, functional, and spatial information, amino acid conservation, physicochemical variation, residue mobility, and thermodynamic stability) has been performed for this missense variant. However, the output from this modeling did not meet the statistical confidence thresholds required to predict the impact of this variant on QARS protein function. In summary, the available evidence is currently insufficient to determine the role of this variant in disease. Therefore, it has been classified as a Variant of Uncertain Significance.